The following is an entry in ClinVar:

NM_021098.3(CACNA1H):c.4505C>T (p.Ser1502Phe)

Gene: CACNA1H (calcium voltage-gated channel subunit alpha1 H; plus strand). Cytogenetic location: 16p13.3.
Variant type: single nucleotide variant.
Coding change: c.4505C>T on transcript NM_021098.3 (MANE Select); coding-DNA position 4505, C replaced by T.
Protein change: p.Ser1502Phe; replaces serine 1502 with phenylalanine.
Molecular consequence: missense variant.
Genome position (GRCh38, 1-based): chr16:1,211,744, C>T. VCF-style: chr16-1211744-C-T. GRCh37 (hg19) VCF-style: chr16-1261744-C-T.
Other names: c.4505C>T, p.Ser1502Phe (NM_001005407.2); short protein forms S1502F.
Identifiers: ClinVar variation 1715713 (VCV001715713.5), dbSNP rs1969476340, ClinGen allele CA394180237.

ClinVar aggregate classification (germline): Uncertain significance (1 of 4 stars; one submission).

Conditions:
Idiopathic generalized epilepsy. Also called: Generalised epilepsy; EIG. Identifiers: MedGen C0270850, MONDO:0005579, OMIM 600669.
Hyperaldosteronism, familial, type IV (HALD4). Also called: FH IV; ALDOSTERONISM, PRIMARY, AND HYPERTENSION. Identifiers: Orphanet 642671, MedGen C4310756, MONDO:0014875, OMIM 617027.

Allele frequency attached by ClinVar (database versions not stated): gnomAD exomes below 0.00001; TOPMed below 0.00001.
gnomAD v4.1: 1 of 1,612,696 alleles (0.000062%); highest among the groups gnomAD compares: Non-Finnish European, 0.000085%; no homozygotes.

Submission:

Labcorp Genetics (formerly Invitae), Labcorp
Classification: Uncertain significance for Idiopathic generalized epilepsy; Hyperaldosteronism, familial, type IV. Last evaluated: 2022-08-08. Review status: criteria provided, single submitter. Criteria: Invitae Variant Classification Sherloc (09022015). Collection method: clinical testing. Allele origin: germline.
Comment: Algorithms developed to predict the effect of sequence changes on RNA splicing suggest that this variant may create or strengthen a splice site. Algorithms developed to predict the effect of missense changes on protein structure and function are either unavailable or do not agree on the potential impact of this missense change (SIFT: "Deleterious"; PolyPhen-2: "Probably Damaging"; Align-GVGD: "Class C15"). This variant has not been reported in the literature in individuals affected with CACNA1H-related conditions. This variant is not present in population databases (gnomAD no frequency). This sequence change replaces serine, which is neutral and polar, with phenylalanine, which is neutral and non-polar, at codon 1502 of the CACNA1H protein (p.Ser1502Phe). In summary, the available evidence is currently insufficient to determine the role of this variant in disease. Therefore, it has been classified as a Variant of Uncertain Significance.